The following is an entry in ClinVar:

NM_000059.4(BRCA2):c.68-479T>C

Gene: BRCA2 (BRCA2 DNA repair associated; plus strand). Cytogenetic location: 13q13.1.
Variant type: single nucleotide variant.
Coding change: c.68-479T>C on transcript NM_000059.4 (MANE Select); 479 bases into the intron before coding-DNA position 68, T replaced by C.
Molecular consequence: intron variant.
Genome position (GRCh38, 1-based): chr13:32,318,598, T>C. VCF-style: chr13-32318598-T-C. GRCh37 (hg19) VCF-style: chr13-32892735-T-C.
Other names: IVS 2-479T>C.
Identifiers: ClinVar variation 209932 (VCV000209932.2), dbSNP rs206122, ClinGen allele CA276899.
Genomic context (GRCh38, chr13:32,318,598, plus strand): 5'-TTCAAGTGATTCTCCTGTGGCAGCCTCCGGAGTAGCTGGGACTACAGGCGTGTGCCACCA[T>C]GCTTGGCTAATTTTTTGTGTTTTTAGTAAAGATGGGGTTTCAACGTGTTAGCAAGGTTGG-3'

ClinVar aggregate classification (germline): Benign. Review status: reviewed by expert panel (3 of 4 stars). 2 submissions from 2 submitters: Benign (1). 1 of the submissions does not count toward it. Last evaluated 2015-01-12.

Conditions:
Breast-ovarian cancer, familial, susceptibility to, 2 (BROVCA2). Also called: BRCA2 Hereditary Breast and Ovarian Cancer. Identifiers: Orphanet 145, MedGen C2675520, MONDO:0012933, OMIM 612555. Disease mechanism: loss of function.

Allele frequency attached by ClinVar (database versions not stated): 1000 Genomes Project 30x 0.63289; 1000 Genomes Project 0.63858; TOPMed 0.65052; gnomAD 0.68057.

Submissions (2):

Evidence-based Network for the Interpretation of Germline Mutant Alleles (ENIGMA)
Classification: Benign for Breast-ovarian cancer, familial 2. Last evaluated: 2015-01-12. Review status: reviewed by expert panel. Criteria: ENIGMA BRCA1/2 Classification Criteria (2015). Collection method: curation. Allele origin: germline.
Comment: Class 1 not pathogenic based on frequency >1% in an outbred sampleset. Frequency 0.7063 (Asian), 0.5183 (African), 0.7084 (European), derived from 1000 genomes (2012-04-30).

Breakthrough Genomics
Classification: Benign. Review status: criteria provided, single submitter. Criteria: ACMG Guidelines, 2015. Collection method: not provided. Allele origin: germline. Inheritance: Autosomal recessive inheritance. Affected: yes. Not counted in ClinVar's aggregate classification.